The following continues an entry in ClinVar:

NM_007294.4(BRCA1):c.4243del (p.Glu1415fs)

Gene: BRCA1. ClinVar aggregate classification (germline): Pathogenic. Pathogenic (1).

Submissions 11 to 16 of 16:

Consortium of Investigators of Modifiers of BRCA1/2 (CIMBA), c/o University of Cambridge
Classification: Pathogenic for Breast-ovarian cancer, familial, susceptibility to, 1. Last evaluated: 2015-10-02. Review status: criteria provided, single submitter. Criteria: CIMBA Mutation Classification guidelines May 2016. Collection method: clinical testing. Allele origin: germline. Not counted in ClinVar's aggregate classification.

CZECANCA consortium
Classification: Pathogenic for Breast and/or ovarian cancer. Last evaluated: 2019-06-11. Review status: no assertion criteria provided. Collection method: clinical testing. Allele origin: germline. Affected: yes. Observed: 1 variant allele. Not counted in ClinVar's aggregate classification.

Research Molecular Genetics Laboratory, Women's College Hospital, University of Toronto
Classification: Pathogenic for Hereditary breast ovarian cancer syndrome. Last evaluated: 2014-01-31. Review status: no assertion criteria provided. Collection method: research. Allele origin: germline. Affected: yes. Study: The Canadian Open Genetics Repository (COGR). Not counted in ClinVar's aggregate classification.

Sharing Clinical Reports Project (SCRP)
Classification: Pathogenic for Breast-ovarian cancer, familial 1. Last evaluated: 2012-06-15. Review status: no assertion criteria provided. Collection method: clinical testing. Allele origin: germline. Not counted in ClinVar's aggregate classification.

Breast Cancer Information Core (BIC) (BRCA1)
Classification: Pathogenic for Breast-ovarian cancer, familial 1. Last evaluated: 2003-07-22. Review status: no assertion criteria provided. Collection method: clinical testing. Allele origin: germline. Affected: yes. Observed: 2 variant alleles. Not counted in ClinVar's aggregate classification.

Department of Pathology and Laboratory Medicine, Sinai Health System
Classification: Pathogenic for Malignant tumor of breast. Review status: no assertion criteria provided. Collection method: clinical testing. Allele origin: unknown. Affected: yes. Study: The Canadian Open Genetics Repository (COGR). Not counted in ClinVar's aggregate classification.
Comment: The BRCA1 p.Glu1415LysfsX4 variant was identified in 4 of 2104 proband chromosomes (frequency: 0.002) from individuals or families with Hereditary Breast and ovarian Cancer (Konecny 2011, Smith 2011). This variant was identified in the Exome Aggregation Consortium (ExAC) database (released Oct 20th, 2014) in 1 of 67690 chromosomes (frequency: 1.48e-05) from a population of European (Non-Finnish) individuals, although this low number of observations and low frequency is not substantive enough to determine the prevalence of the variant in the general population and its relationship to disease.The variant was also identified in dbSNP (ID: rs80357981) â€šÃ„ÃºWith Pathogenic alleleâ€šÃ„Ã¹, HGMD, the ClinVar database (classified as a pathogenic variant by the Sharing Clinical Reports Project, derived from Myriad reports, as pathogenic by BIC ), GeneInsight VariantWire(1X, classified as pathogenic by a clinical laboratory), the BIC database (2X with clinical importance). The p.Glu1415LysfsX4 deletion variant is predicted to cause a frameshift, which alters the protein's amino acid sequence beginning at codon 1415 and leads to a premature stop codon 4 codons downstream. This alteration is then predicted to result in a truncated or absent protein and loss of function. Loss of function variants of the BRCA1 gene are an established mechanism of disease in hereditary breast and ovarian cancer and is the type of variant expected to cause the disorder. In summary, based on the above information, this variant meets our laboratoryâ€šÃ„Ã´s criteria to be classified as pathogenic.

Literature cited by the submitters: PubMed 21203900 (cited by 5 submitters); PubMed 21281505 (cited by 5 submitters); PubMed 26689913 (cited by Quest Diagnostics Nichols Institute San Juan Capistrano and Women's Health and Genetics/Laboratory Corporation of America, LabCorp); PubMed 33724863 (cited by Quest Diagnostics Nichols Institute San Juan Capistrano); PubMed 37097611 (cited by Quest Diagnostics Nichols Institute San Juan Capistrano); PubMed 31409081 (cited by 3 submitters); PubMed 28452373 (cited by Quest Diagnostics Nichols Institute San Juan Capistrano); PubMed 35196514 (cited by Quest Diagnostics Nichols Institute San Juan Capistrano); PubMed 29446198 (cited by 3 submitters); PubMed 20104584 (cited by Labcorp Genetics (formerly Invitae), Labcorp); PubMed 16267036 (cited by Women's Health and Genetics/Laboratory Corporation of America, LabCorp); PubMed 32295079 (cited by CZECANCA consortium).